The following is an entry in ClinVar:

ClinVar aggregate classification (germline): Conflicting classifications of pathogenicity. Review status: criteria provided, conflicting classifications (1 of 4 stars). 3 submissions from 3 submitters: Uncertain significance (1); Likely benign (2). Last evaluated 2025-06-27.

Conditions:
Desmosterolosis. Identifiers: Orphanet 35107, MedGen C1865596, MONDO:0011217, OMIM 602398.

Allele frequency attached by ClinVar (database versions not stated): gnomAD exomes 0.00006 and 0.00011; TOPMed 0.00008; gnomAD 0.00012 and 0.00013; ExAC 0.00013; ESP Exome Variant Server 0.00023.

Submissions (3):

Labcorp Genetics (formerly Invitae), Labcorp
Classification: Likely benign. Last evaluated: 2025-06-27. Review status: criteria provided, single submitter. Criteria: Invitae Variant Classification Sherloc (09022015). Collection method: clinical testing. Allele origin: germline.

Blueprint Genetics
Classification: Likely benign. Last evaluated: 2024-11-07. Review status: criteria provided, single submitter. Criteria: ACMG Guidelines, 2015. Collection method: clinical testing. Allele origin: germline.

Illumina Laboratory Services, Illumina
Classification: Uncertain significance for Desmosterolosis. Last evaluated: 2018-02-28. Review status: criteria provided, single submitter. Criteria: ICSL Variant Classification Criteria 13 December 2019. Collection method: clinical testing. Allele origin: germline.
Comment: This variant was observed as part of a predisposition screen in an ostensibly healthy population. A literature search was performed for the gene, cDNA change, and amino acid change (where applicable). Publications were found based on this search. However, the evidence from the literature, in combination with allele frequency data from public databases where available, was not sufficient to rule this variant in or out of causing disease. Therefore, this variant is classified as a variant of unknown significance.

Literature cited by the submitters: PubMed 21902244 (cited by Illumina Laboratory Services, Illumina).

NM_014762.4(DHCR24):c.1329G>A (p.Pro443=)

Gene: DHCR24 (24-dehydrocholesterol reductase; minus strand). Cytogenetic location: 1p32.3.
Variant type: single nucleotide variant.
Coding change: c.1329G>A on transcript NM_014762.4 (MANE Select); coding-DNA position 1329, G replaced by A.
Protein change: p.Pro443=; no amino-acid change (proline 443 retained).
Molecular consequence: synonymous variant.
Genome position (GRCh38, 1-based): chr1:54,853,502, C>T on the plus strand (G>A on the coding strand, the complement: DHCR24 is on the minus strand). VCF-style: chr1-54853502-C-T. GRCh37 (hg19) VCF-style: chr1-55319175-C-T.
Identifiers: ClinVar variation 876127 (VCV000876127.7), dbSNP rs142984207, ClinGen allele CA870586.